The following is an entry in ClinVar:

ClinVar aggregate classification (germline): Likely benign (0 of 4 stars; one submission).

Conditions:
DCC-related disorder. Also called: DCC-related condition.

Allele frequency attached by ClinVar (database versions not stated): gnomAD exomes 0.00001; ExAC 0.00002; gnomAD 0.00008; TOPMed 0.00009.
gnomAD v4.1: 27 of 1,613,892 alleles (0.0017%); highest among the groups gnomAD compares: African/African-American, 0.033%; no homozygotes.

Submission:

PreventionGenetics, part of Exact Sciences
Classification: Likely benign for DCC-related condition. Last evaluated: 2019-04-08. Review status: no assertion criteria provided. Collection method: clinical testing. Allele origin: germline.
Comment: This variant is classified as likely benign based on ACMG/AMP sequence variant interpretation guidelines (Richards et al. 2015 PMID: 25741868, with internal and published modifications).

NM_005215.4(DCC):c.2199T>C (p.His733=)

Gene: DCC (DCC netrin 1 receptor; plus strand). Cytogenetic location: 18q21.2.
Variant type: single nucleotide variant.
Coding change: c.2199T>C on transcript NM_005215.4 (MANE Select); coding-DNA position 2199, T replaced by C.
Protein change: p.His733=; no amino-acid change (histidine 733 retained).
Molecular consequence: synonymous variant.
Genome position (GRCh38, 1-based): chr18:53,339,747, T>C. VCF-style: chr18-53339747-T-C. GRCh37 (hg19) VCF-style: chr18-50866117-T-C.
Identifiers: ClinVar variation 3047540 (VCV003047540.2), dbSNP rs749179877, ClinGen allele CA8967128.